The following is an entry in ClinVar:

ClinVar aggregate classification (germline): Uncertain significance. Review status: criteria provided, multiple submitters, no conflicts (2 of 4 stars). 2 submissions from 2 submitters: Uncertain significance (2). Last evaluated 2024-06-05.

Conditions:
Cardiovascular phenotype. Identifiers: MedGen CN230736.

Allele frequency attached by ClinVar (database versions not stated): gnomAD 0.00002; TOPMed 0.00006.
gnomAD v4.1: 19 of 1,579,794 alleles (0.0012%); highest among the groups gnomAD compares: East Asian, 0.042%; no homozygotes.

Submissions (2):

GeneDx
Classification: Uncertain significance. Last evaluated: 2024-06-05. Review status: criteria provided, single submitter. Criteria: GeneDx Variant Classification Process June 2021. Collection method: clinical testing. Allele origin: germline. Affected: yes.
Comment: In silico analysis supports that this missense variant has a deleterious effect on protein structure/function; Has not been previously published as pathogenic or benign to our knowledge

Ambry Genetics
Classification: Uncertain significance for Cardiovascular phenotype. Last evaluated: 2023-06-07. Review status: criteria provided, single submitter. Criteria: Ambry Variant Classification Scheme 2023. Collection method: clinical testing. Allele origin: germline.

NM_001365276.2(TNXB):c.935C>G (p.Pro312Arg)

Gene: TNXB (tenascin XB; minus strand). Cytogenetic location: 6p21.33.
Variant type: single nucleotide variant.
Coding change: c.935C>G on transcript NM_001365276.2 (MANE Select); coding-DNA position 935, C replaced by G.
Protein change: p.Pro312Arg; replaces proline 312 with arginine.
Molecular consequence: missense variant.
Genome position (GRCh38, 1-based): chr6:32,096,918, G>C on the plus strand (C>G on the coding strand, the complement: TNXB is on the minus strand). VCF-style: chr6-32096918-G-C. GRCh37 (hg19) VCF-style: chr6-32064695-G-C.
Other names: c.935C>G, p.Pro312Arg (NM_019105.8); short protein forms P312R.
Identifiers: ClinVar variation 1766673 (VCV001766673.3), dbSNP rs768599858, ClinGen allele CA3735760.